The following is an entry in ClinVar:

ClinVar aggregate classification (germline): Pathogenic (1 of 4 stars; one submission).

Conditions:
Early-infantile DEE. Also called: Early infantile epileptic encephalopathy with suppression bursts; Ohtahara syndrome; Early infantile epileptic encephalopathy. Identifiers: Orphanet 1934, MedGen C0393706, MONDO:0800491.

Submission:

Labcorp Genetics (formerly Invitae), Labcorp
Classification: Pathogenic for Early-infantile DEE. Last evaluated: 2021-08-29. Review status: criteria provided, single submitter. Criteria: Invitae Variant Classification Sherloc (09022015). Collection method: clinical testing. Allele origin: germline.
Comment: For these reasons, this variant has been classified as Pathogenic. This variant has not been reported in the literature in individuals affected with SCN1A-related conditions. This variant is not present in population databases (ExAC no frequency). This sequence change creates a premature translational stop signal (p.Thr160Profs*12) in the SCN1A gene. It is expected to result in an absent or disrupted protein product. Loss-of-function variants in SCN1A are known to be pathogenic (PMID: 17347258, 18930999).

Literature cited by the submitters: PubMed 17347258; PubMed 18930999.

NM_001165963.4(SCN1A):c.478del (p.Thr160fs)

Gene: SCN1A (sodium voltage-gated channel alpha subunit 1; minus strand). Cytogenetic location: 2q24.3.
Variant type: Deletion.
Coding change: c.478del on transcript NM_001165963.4 (MANE Select); coding-DNA position 478, one base deleted (A; older notation c.478delA).
Protein change: p.Thr160fs; shifts the reading frame from threonine 160.
Molecular consequence: frameshift variant. On other transcripts: 5 prime UTR variant (1), non-coding transcript variant (1).
Genome position (GRCh38, 1-based): chr2:166,054,762, T deleted on the plus strand (A on the coding strand, the reverse complement: SCN1A is on the minus strand). VCF-style (leftmost placement, unchanged base first): chr2-166054761-GT-G. GRCh37 (hg19) VCF-style: chr2-166911271-GT-G.
Other names: c.478del, p.Thr160fs (NM_001165964.3, NM_001202435.3, NM_001353948.2 and 10 more transcripts); c.-1948del (NM_001353961.2); short protein forms T160fs.
Identifiers: ClinVar variation 1360564 (VCV001360564.7), dbSNP rs2105902725, ClinGen allele CA2573133523.